The following is an entry in ClinVar:

NM_001170629.2(CHD8):c.3028G>A (p.Gly1010Arg)

Gene: CHD8 (chromodomain helicase DNA binding protein 8; minus strand). Cytogenetic location: 14q11.2.
Variant type: single nucleotide variant.
Coding change: c.3028G>A on transcript NM_001170629.2 (MANE Select); coding-DNA position 3028, G replaced by A.
Protein change: p.Gly1010Arg; replaces glycine 1010 with arginine.
Molecular consequence: missense variant.
Genome position (GRCh38, 1-based): chr14:21,405,744, C>T on the plus strand (G>A on the coding strand, the complement: CHD8 is on the minus strand). VCF-style: chr14-21405744-C-T. GRCh37 (hg19) VCF-style: chr14-21873903-C-T.
Other names: c.2191G>A, p.Gly731Arg (NM_020920.4); short protein forms G1010R, G731R.
Identifiers: ClinVar variation 1712053 (VCV001712053.2), dbSNP rs1594347720, ClinGen allele CA388903204.

ClinVar aggregate classification (germline): Uncertain significance (1 of 4 stars; one submission).

Submission:

GeneDx
Classification: Uncertain significance. Last evaluated: 2022-04-18. Review status: criteria provided, single submitter. Criteria: GeneDx Variant Classification Process June 2021. Collection method: clinical testing. Allele origin: germline. Affected: yes.
Comment: Not observed at significant frequency in large population cohorts (gnomAD); In silico analysis supports that this missense variant has a deleterious effect on protein structure/function; Has not been previously published as pathogenic or benign to our knowledge